The following is an entry in ClinVar:

NM_004044.7(ATIC):c.1070del (p.Lys357fs)

Gene: ATIC (5-aminoimidazole-4-carboxamide ribonucleotide formyltransferase/IMP cyclohydrolase; plus strand). Cytogenetic location: 2q35.
Variant type: Deletion.
Coding change: c.1070del on transcript NM_004044.7 (MANE Select); coding-DNA position 1070, one base deleted (A; older notation c.1070delA).
Protein change: p.Lys357fs; shifts the reading frame from lysine 357.
Molecular consequence: frameshift variant.
Genome position (GRCh38, 1-based): chr2:215,336,096, A deleted; the last of 5 consecutive A bases (chr2:215,336,092-215,336,096); deleting any one gives the same sequence. VCF-style (leftmost placement, unchanged base first): chr2-215336091-CA-C. GRCh37 (hg19) VCF-style: chr2-216200814-CA-C.
Other names: c.1070delA (NM_004044.7); short protein forms K357fs.
Identifiers: ClinVar variation 4845921 (VCV004845921.1).
Genomic context (GRCh38, chr2:215,336,091, plus strand): 5'-GCAGGTATCTGATGGTATAATTGCCCCAGGATATGAAGAAGAAGCCTTGACAATACTTTC[CA>C]AAAAGAAAAATGGAAACTATTGTGTCCTTCAGGTGAGTGCAATTCATGTTTGAAGCGGTA-3'

ClinVar aggregate classification (germline): Likely pathogenic (1 of 4 stars; one submission).

Conditions:
AICA-ribosiduria. Also called: ATIC DEFICIENCY; AICA-ribosiduria due to ATIC deficiency. Identifiers: Orphanet 250977, MedGen C1837530, MONDO:0012099, OMIM 608688.

Submission:

First Genomix Gene Laboratory, Genetic Diagnostics Department
Classification: Likely pathogenic for AICA-ribosiduria. Last evaluated: 2025-04-30. Review status: criteria provided, single submitter. Criteria: ACMG Guidelines, 2015. Collection method: clinical testing. Allele origin: germline. Inheritance: Autosomal recessive inheritance. Affected: no. Observed: 1 variant allele.